The following is an entry in ClinVar:

NM_194454.3(KRIT1):c.990G>A (p.Trp330Ter)

Gene: KRIT1 (KRIT1 ankyrin repeat containing; minus strand). Cytogenetic location: 7q21.2.
Variant type: single nucleotide variant.
Coding change: c.990G>A on transcript NM_194454.3 (MANE Select); coding-DNA position 990, G replaced by A.
Protein change: p.Trp330Ter; replaces tryptophan 330 with a stop codon.
Molecular consequence: nonsense. On other transcripts: synonymous variant (3).
Genome position (GRCh38, 1-based): chr7:92,226,682, C>T on the plus strand (G>A on the coding strand, the complement: KRIT1 is on the minus strand). VCF-style: chr7-92226682-C-T. GRCh37 (hg19) VCF-style: chr7-91855996-C-T.
Other names: c.846G>A, p.Lys282= (NM_001013406.2, NM_001350669.1, NM_001350670.1); c.276G>A, p.Trp92Ter (NM_001350671.1); c.990G>A, p.Trp330Ter (NM_001350672.1, NM_001350673.1, NM_001350674.1 and 26 more transcripts); short protein forms W330*, W92*.
Identifiers: ClinVar variation 468221 (VCV000468221.9), dbSNP rs1554518783, ClinGen allele CA368153913.

ClinVar aggregate classification (germline): Pathogenic (1 of 4 stars; one submission).

Conditions:
Cerebral cavernous malformation (CCM). Also called: CAVERNOUS ANGIOMA, FAMILIAL; CAVERNOUS ANGIOMATOUS MALFORMATIONS; CEREBRAL CAPILLARY MALFORMATIONS; Cerebral cavernous malformations; Cavernous Hemangioma of Brain; Cerebral cavernous hemangioma (type). Identifiers: Orphanet 221061, MedGen C2919945, MONDO:0000820, OMIM 116860, HP:0033522.

Submission:

Labcorp Genetics (formerly Invitae), Labcorp
Classification: Pathogenic for Cerebral cavernous malformation. Last evaluated: 2021-05-26. Review status: criteria provided, single submitter. Criteria: Invitae Variant Classification Sherloc (09022015). Collection method: clinical testing. Allele origin: germline.
Comment: For these reasons, this variant has been classified as Pathogenic. Loss-of-function variants in KRIT1 are known to be pathogenic. This particular variant has been reported in the literature in an individual with cerebral cavernous malformations (PMID: 23595507). This sequence change creates a premature translational stop signal at codon 330 (p.Trp330*) of the KRIT1 gene. It is expected to result in an absent or disrupted protein product.

Literature cited by the submitters: PubMed 23595507.